The following is an entry in ClinVar:

NM_001080.3(ALDH5A1):c.692A>G (p.Glu231Gly)

Gene: ALDH5A1 (aldehyde dehydrogenase 5 family member A1; plus strand). Cytogenetic location: 6p22.3.
Variant type: single nucleotide variant.
Coding change: c.692A>G on transcript NM_001080.3 (MANE Select); coding-DNA position 692, A replaced by G.
Protein change: p.Glu231Gly; replaces glutamic acid 231 with glycine.
Molecular consequence: missense variant.
Genome position (GRCh38, 1-based): chr6:24,504,951, A>G. VCF-style: chr6-24504951-A-G. GRCh37 (hg19) VCF-style: chr6-24505179-A-G.
Other names: p.Glu231Gly; c.692A>G, p.Glu231Gly (NM_001368954.1, NM_170740.1); short protein forms E231G.
Identifiers: ClinVar variation 1493203 (VCV001493203.9), dbSNP rs757605946, ClinGen allele CA3656694.

ClinVar aggregate classification (germline): Conflicting classifications of pathogenicity. Review status: criteria provided, conflicting classifications (1 of 4 stars). 3 submissions from 3 submitters: Likely pathogenic (1); Uncertain significance (2). Last evaluated 2024-10-24.

Conditions:
Succinate-semialdehyde dehydrogenase deficiency (SSADHD). Also called: Succinic Semialdehyde Dehydrogenase Deficiency; 4-HYDROXYBUTYRIC ACIDURIA; GABA METABOLIC DEFECT; SSADH DEFICIENCY. Identifiers: Orphanet 22, MedGen C0268631, MONDO:0010083, OMIM 271980.

Allele frequency attached by ClinVar (database versions not stated): gnomAD exomes below 0.00001 and 0.00001; ExAC 0.00001; gnomAD 0.00001; TOPMed 0.00002.
gnomAD v4.1: 9 of 1,614,094 alleles (0.00056%); highest among the groups gnomAD compares: Admixed American, 0.0083%; no homozygotes.

Submissions (3):

Labcorp Genetics (formerly Invitae), Labcorp
Classification: Likely pathogenic for Succinate-semialdehyde dehydrogenase deficiency. Last evaluated: 2024-10-24. Review status: criteria provided, single submitter. Criteria: Invitae Variant Classification Sherloc (09022015). Collection method: clinical testing. Allele origin: germline.
Comment: This sequence change replaces glutamic acid, which is acidic and polar, with glycine, which is neutral and non-polar, at codon 231 of the ALDH5A1 protein (p.Glu231Gly). This variant is present in population databases (rs757605946, gnomAD 0.006%). This variant has not been reported in the literature in individuals affected with ALDH5A1-related conditions. ClinVar contains an entry for this variant (Variation ID: 1493203). Invitae Evidence Modeling of protein sequence and biophysical properties (such as structural, functional, and spatial information, amino acid conservation, physicochemical variation, residue mobility, and thermodynamic stability) has been performed for this missense variant. However, the output from this modeling did not meet the statistical confidence thresholds required to predict the impact of this variant on ALDH5A1 protein function. This variant disrupts the p.Glu231 amino acid residue in ALDH5A1. Other variant(s) that disrupt this residue have been determined to be pathogenic (PMID: 27117035, 31117962). This suggests that this residue is clinically significant, and that variants that disrupt this residue are likely to be disease-causing. In summary, the currently available evidence indicates that the variant is pathogenic, but additional data are needed to prove that conclusively. Therefore, this variant has been classified as Likely Pathogenic.

Mayo Clinic Laboratories, Mayo Clinic
Classification: Uncertain significance. Last evaluated: 2023-03-17. Review status: criteria provided, single submitter. Criteria: ACMG Guidelines, 2015. Collection method: clinical testing. Allele origin: germline. Observed: 1 variant allele.
Comment: PP3, PM2, PM5

Center for Genomics, Ann and Robert H. Lurie Children's Hospital of Chicago
Classification: Uncertain significance for Succinate-semialdehyde dehydrogenase deficiency. Last evaluated: 2021-03-30. Review status: criteria provided, single submitter. Criteria: ACMG Guidelines, 2015. Collection method: clinical testing. Allele origin: germline.
Comment: ALDH5A1 NM_001080.3 exon 4 p.Glu231Gly (c.692A>G): This variant has not been reported in the literature but is present in 0.007% (1/13660) of Latino alleles in the Genome Aggregation Database. Evolutionary conservation suggests that this variant may impact the protein; computational predictive tools for this variant are unclear. Of note, another variant at this position (p.Glu231Lys) has been reported in individuals with succinic semialdehyde dehydrogenase deficiency, supporting the potential functional relevance of this codon (Horino 2016 PMID:27117035, Wang 2019 PMID:31117962, Pop 2020 PMID:32402538). In summary, data on this variant is insufficient for disease classification. Therefore, the clinical significance of this variant is uncertain.

Literature cited by the submitters: PubMed 27117035 (cited by Labcorp Genetics (formerly Invitae), Labcorp); PubMed 31117962 (cited by Labcorp Genetics (formerly Invitae), Labcorp); PubMed 19300440 (cited by Mayo Clinic Laboratories, Mayo Clinic).